The following is an entry in ClinVar:

NM_001972.4(ELANE):c.266T>A (p.Leu89His)

Gene: ELANE (elastase, neutrophil expressed; plus strand). Cytogenetic location: 19p13.3.
Variant type: single nucleotide variant.
Coding change: c.266T>A on transcript NM_001972.4 (MANE Select); coding-DNA position 266, T replaced by A.
Protein change: p.Leu89His; replaces leucine 89 with histidine.
Molecular consequence: missense variant.
Genome position (GRCh38, 1-based): chr19:853,303, T>A. VCF-style: chr19-853303-T-A. GRCh37 (hg19) VCF-style: chr19-853303-T-A.
Other names: short protein forms L89H.
Identifiers: ClinVar variation 4248062 (VCV004248062.1).

ClinVar aggregate classification (germline): Uncertain significance (1 of 4 stars; one submission).

Conditions:
Inborn genetic diseases. Identifiers: MedGen C0950123, MeSH D030342.

Submission:

Ambry Genetics
Classification: Uncertain significance for Inborn genetic diseases. Last evaluated: 2025-07-03. Review status: criteria provided, single submitter. Criteria: Ambry Variant Classification Scheme 2023. Collection method: clinical testing. Allele origin: germline.
Comment: The p.L89H variant (also known as c.266T>A), located in coding exon 3 of the ELANE gene, results from a T to A substitution at nucleotide position 266. The leucine at codon 89 is replaced by histidine, an amino acid with similar properties. This amino acid position is conserved. In addition, the in silico prediction for this alteration is inconclusive. Based on the available evidence, the clinical significance of this variant remains unclear.